The following is an entry in ClinVar:

ClinVar aggregate classification (germline): Conflicting classifications of pathogenicity. Review status: criteria provided, conflicting classifications (1 of 4 stars). 5 submissions from 5 submitters: Uncertain significance (4); Likely benign (1). Last evaluated 2026-01-14.

Conditions:
Hereditary cancer-predisposing syndrome. Also called: Neoplastic Syndromes, Hereditary; Tumor predisposition; Hereditary Cancer Syndrome; Hereditary neoplastic syndrome. Identifiers: Orphanet 140162, MedGen C0027672, MeSH D009386, MONDO:0015356.
Familial adenomatous polyposis 2. Also called: Adenomas, multiple colorectal; COLORECTAL ADENOMATOUS POLYPOSIS, AUTOSOMAL RECESSIVE; ADENOMAS, MULTIPLE COLORECTAL, AUTOSOMAL RECESSIVE; MYH-associated polyposis; MUTYH Polyposis; FAP type 2. Identifiers: Orphanet 220460, Orphanet 247798, MedGen C3272841, MONDO:0012041, OMIM 608456.

Allele frequency attached by ClinVar (database versions not stated): gnomAD 0.00001.
gnomAD v4.1: 2 of 1,614,030 alleles (0.00012%); highest among the groups gnomAD compares: African/African-American, 0.0027%; no homozygotes.

Submissions (5):

Labcorp Genetics (formerly Invitae), Labcorp
Classification: Uncertain significance for Familial adenomatous polyposis 2. Last evaluated: 2026-01-14. Review status: criteria provided, single submitter. Criteria: Invitae Variant Classification Sherloc (09022015). Collection method: clinical testing. Allele origin: germline.
Comment: This sequence change replaces asparagine, which is neutral and polar, with lysine, which is basic and polar, at codon 42 of the MUTYH protein (p.Asn42Lys). This variant is present in population databases (rs200514222, gnomAD 0.007%). This variant has not been reported in the literature in individuals affected with MUTYH-related conditions. ClinVar contains an entry for this variant (Variation ID: 187371). An algorithm developed to predict the effect of missense changes on protein structure and function (PolyPhen-2) suggests that this variant is likely to be tolerated. In summary, the available evidence is currently insufficient to determine the role of this variant in disease. Therefore, it has been classified as a Variant of Uncertain Significance.

Quest Diagnostics Nichols Institute San Juan Capistrano
Classification: Uncertain significance. Last evaluated: 2025-07-12. Review status: criteria provided, single submitter. Criteria: Quest Diagnostics criteria. Collection method: clinical testing. Allele origin: unknown.
Comment: The MUTYH c.126C>A (p.Asn42Lys) variant has not been reported in individuals with MUTYH-related conditions in the published literature. The frequency of this variant in the general population (Genome Aggregation Database) is uninformative in the assessment of its pathogenicity. Analysis of this variant using bioinformatics tools for the prediction of the effect of amino acid changes on protein structure and function yielded predictions that this variant is benign. Based on the available information, we are unable to determine the clinical significance of this variant.

Ambry Genetics
Classification: Likely benign for Hereditary cancer-predisposing syndrome. Last evaluated: 2024-03-27. Review status: criteria provided, single submitter. Criteria: Ambry Variant Classification Scheme 2023. Collection method: clinical testing. Allele origin: germline.

Color Diagnostics, LLC DBA Color Health
Classification: Uncertain significance for Hereditary cancer-predisposing syndrome. Last evaluated: 2024-03-06. Review status: criteria provided, single submitter. Criteria: ACMG Guidelines, 2015. Collection method: clinical testing. Allele origin: germline.
Comment: This missense variant replaces asparagine with lysine at codon 42 of the MUTYH protein. Computational prediction suggests that this variant may not impact protein structure and function (internally defined REVEL score threshold <= 0.5, PMID: 27666373). To our knowledge, functional studies have not been reported for this variant. This variant has not been reported in individuals affected with MUTYH-related disorders in the literature. This variant has been identified in 1/251484 chromosomes in the general population by the Genome Aggregation Database (gnomAD). The available evidence is insufficient to determine the role of this variant in disease conclusively. Therefore, this variant is classified as a Variant of Uncertain Significance.

All of Us Research Program, National Institutes of Health
Classification: Uncertain significance for Familial adenomatous polyposis 2. Last evaluated: 2023-12-13. Review status: criteria provided, single submitter. Criteria: ACMG Guidelines, 2015. Collection method: clinical testing. Allele origin: germline. Inheritance: Autosomal recessive inheritance. Observed: 2 variant alleles, 2 heterozygotes.
Comment: This missense variant replaces asparagine with lysine at codon 42 of the MUTYH protein. Computational prediction suggests that this variant may not impact protein structure and function (internally defined REVEL score threshold <= 0.5, PMID: 27666373). To our knowledge, functional studies have not been reported for this variant. This variant has not been reported in individuals affected with MUTYH-related disorders in the literature. This variant has been identified in 1/251484 chromosomes in the general population by the Genome Aggregation Database (gnomAD). The available evidence is insufficient to determine the role of this variant in disease conclusively. Therefore, this variant is classified as a Variant of Uncertain Significance.

This study involves interpretation of variants in research participants for the purpose of population health screening. Participant phenotype was not available at the time of variant classification. Additional details can be found in publication PMID: 35346344, PMCID: PMC8962531

NM_001048174.2(MUTYH):c.84C>A (p.Asn28Lys)

Gene: MUTYH (mutY DNA glycosylase; minus strand). Cytogenetic location: 1p34.1.
Variant type: single nucleotide variant.
Coding change: c.84C>A on transcript NM_001048174.2 (MANE Select); coding-DNA position 84, C replaced by A.
Protein change: p.Asn28Lys; replaces asparagine 28 with lysine.
Molecular consequence: missense variant. On other transcripts: 5 prime UTR variant (4), non-coding transcript variant (2).
Genome position (GRCh38, 1-based): chr1:45,334,422, G>T on the plus strand (C>A on the coding strand, the complement: MUTYH is on the minus strand). VCF-style: chr1-45334422-G-T. GRCh37 (hg19) VCF-style: chr1-45800094-G-T.
Other names: c.84C>A, p.Asn28Lys (NM_001048171.2, NM_001048172.2, NM_001048173.2 and 2 more transcripts); c.126C>A, p.Asn42Lys (NM_001128425.2, NM_001293190.2, NM_012222.3); c.-129C>A (NM_001293192.2, NM_001293196.2); c.-188C>A (NM_001350650.2); c.-124C>A (NM_001350651.2); short protein forms N42K, N28K.
Identifiers: ClinVar variation 187371 (VCV000187371.20), dbSNP rs200514222, ClinGen allele CA012471.